The following is an entry in ClinVar:

NM_024675.4(PALB2):c.898A>G (p.Thr300Ala)

Gene: PALB2 (partner and localizer of BRCA2; minus strand). Cytogenetic location: 16p12.2.
Variant type: single nucleotide variant.
Coding change: c.898A>G on transcript NM_024675.4 (MANE Select); coding-DNA position 898, A replaced by G.
Protein change: p.Thr300Ala; replaces threonine 300 with alanine.
Molecular consequence: missense variant. On other transcripts: intron variant (3).
Genome position (GRCh38, 1-based): chr16:23,635,648, T>C on the plus strand (A>G on the coding strand, the complement: PALB2 is on the minus strand). VCF-style: chr16-23635648-T-C. GRCh37 (hg19) VCF-style: chr16-23646969-T-C.
Other names: c.838A>G, p.Thr280Ala (NM_001407296.1); c.898A>G, p.Thr300Ala (NM_001407297.1, NM_001407298.1, NM_001407299.1 and 3 more transcripts); c.13A>G, p.Thr5Ala (NM_001407304.1, NM_001407305.1, NM_001407306.1 and 5 more transcripts); c.48+5462A>G (NM_001407314.1); c.-104-5179A>G (NM_001407313.1, NM_001407312.1); short protein forms T280A, T5A, T300A.
Identifiers: ClinVar variation 3413492 (VCV003413492.2).

ClinVar aggregate classification (germline): Uncertain significance. Review status: criteria provided, multiple submitters, no conflicts (2 of 4 stars). 2 submissions from 2 submitters: Uncertain significance (2). Last evaluated 2025-02-02.

Conditions:
Hereditary cancer-predisposing syndrome. Also called: Neoplastic Syndromes, Hereditary; Tumor predisposition; Hereditary Cancer Syndrome; Hereditary neoplastic syndrome. Identifiers: Orphanet 140162, MedGen C0027672, MeSH D009386, MONDO:0015356.

gnomAD v4.1: 1 of 1,614,136 alleles (0.000062%); highest among the groups gnomAD compares: South Asian, 0.0011%; no homozygotes.

Submissions (2):

GeneDx
Classification: Uncertain significance. Last evaluated: 2025-02-02. Review status: criteria provided, single submitter. Criteria: GeneDx Variant Classification Process June 2021. Collection method: clinical testing. Allele origin: germline. Affected: yes.
Comment: Not observed at significant frequency in large population cohorts (gnomAD); In silico analysis indicates that this missense variant does not alter protein structure/function; Has not been previously published as pathogenic or benign to our knowledge; This variant is associated with the following publications: (PMID: 19369211)

Ambry Genetics
Classification: Uncertain significance for Hereditary cancer-predisposing syndrome. Last evaluated: 2024-11-05. Review status: criteria provided, single submitter. Criteria: Ambry Variant Classification Scheme 2023. Collection method: clinical testing. Allele origin: germline.
Comment: The p.T300A variant (also known as c.898A>G), located in coding exon 4 of the PALB2 gene, results from an A to G substitution at nucleotide position 898. The threonine at codon 300 is replaced by alanine, an amino acid with similar properties. This amino acid position is conserved. In addition, this alteration is predicted to be tolerated by in silico analysis. Based on the available evidence, the clinical significance of this variant remains unclear.